The following is an entry in ClinVar:

ClinVar aggregate classification (germline): Uncertain significance. Review status: criteria provided, multiple submitters, no conflicts (2 of 4 stars). 2 submissions from 2 submitters: Uncertain significance (2). Last evaluated 2025-10-22.

Conditions:
Inborn genetic diseases. Identifiers: MedGen C0950123, MeSH D030342.

Allele frequency attached by ClinVar (database versions not stated): gnomAD exomes below 0.00001.
gnomAD v4.1: 4 of 1,613,838 alleles (0.00025%); highest among the groups gnomAD compares: Non-Finnish European, 0.00034%; no homozygotes.

Submissions (2):

Ambry Genetics
Classification: Uncertain significance for Inborn genetic diseases. Last evaluated: 2025-10-22. Review status: criteria provided, single submitter. Criteria: Ambry Variant Classification Scheme 2023. Collection method: clinical testing. Allele origin: germline.

Labcorp Genetics (formerly Invitae), Labcorp
Classification: Uncertain significance. Last evaluated: 2023-09-03. Review status: criteria provided, single submitter. Criteria: Invitae Variant Classification Sherloc (09022015). Collection method: clinical testing. Allele origin: germline.
Comment: This sequence change replaces valine, which is neutral and non-polar, with leucine, which is neutral and non-polar, at codon 80 of the POGLUT1 protein (p.Val80Leu). This variant is present in population databases (no rsID available, gnomAD 0.0009%). This variant has not been reported in the literature in individuals affected with POGLUT1-related conditions. Algorithms developed to predict the effect of missense changes on protein structure and function output the following: SIFT: "Not Available"; PolyPhen-2: "Benign"; Align-GVGD: "Not Available". The leucine amino acid residue is found in multiple mammalian species, which suggests that this missense change does not adversely affect protein function. In summary, the available evidence is currently insufficient to determine the role of this variant in disease. Therefore, it has been classified as a Variant of Uncertain Significance.

NM_152305.3(POGLUT1):c.238G>T (p.Val80Leu)

Gene: POGLUT1 (protein O-glucosyltransferase 1; plus strand). Cytogenetic location: 3q13.33.
Variant type: single nucleotide variant.
Coding change: c.238G>T on transcript NM_152305.3 (MANE Select); coding-DNA position 238, G replaced by T.
Protein change: p.Val80Leu; replaces valine 80 with leucine.
Molecular consequence: missense variant. On other transcripts: non-coding transcript variant (1).
Genome position (GRCh38, 1-based): chr3:119,471,370, G>T. VCF-style: chr3-119471370-G-T. GRCh37 (hg19) VCF-style: chr3-119190217-G-T.
Other names: c.238G>T (NM_152305.2); c.238G>T, p.Val80Leu (NM_020231.3); short protein forms V80L.
Identifiers: ClinVar variation 2730186 (VCV002730186.4), dbSNP rs1347125448, ClinGen allele CA354036658.